The following is an entry in ClinVar:

ClinVar aggregate classification (germline): Pathogenic/Likely pathogenic. Review status: criteria provided, multiple submitters, no conflicts (2 of 4 stars). 2 submissions from 2 submitters: Pathogenic (1); Likely pathogenic (1). Last evaluated 2025-07-03.

Conditions:
Bardet-Biedl syndrome 6 (BBS6). Identifiers: Orphanet 110, MedGen C1858054, MONDO:0011523, OMIM 605231.
McKusick-Kaufman syndrome (MKKS). Also called: HYDROMETROCOLPOS SYNDROME; HYDROMETROCOLPOS, POSTAXIAL POLYDACTYLY, AND CONGENITAL HEART MALFORMATION. Identifiers: Orphanet 2473, MedGen C0948368, MONDO:0009367, OMIM 236700.
Bardet-Biedl syndrome (BBS). Identifiers: Orphanet 110, MedGen C0752166, MONDO:0015229.

Allele frequency attached by ClinVar (database versions not stated): gnomAD exomes below 0.00001; TOPMed below 0.00001; gnomAD 0.00001; ExAC 0.00002.
gnomAD v4.1: 7 of 1,614,076 alleles (0.00043%); highest among the groups gnomAD compares: East Asian, 0.016%; no homozygotes.

Submissions (2):

Labcorp Genetics (formerly Invitae), Labcorp
Classification: Pathogenic for McKusick-Kaufman syndrome; Bardet-Biedl syndrome. Last evaluated: 2025-07-03. Review status: criteria provided, single submitter. Criteria: Invitae Variant Classification Sherloc (09022015). Collection method: clinical testing. Allele origin: germline.
Comment: This sequence change creates a premature translational stop signal (p.Ser86*) in the MKKS gene. It is expected to result in an absent or disrupted protein product. Loss-of-function variants in MKKS are known to be pathogenic (PMID: 11179009, 28761321, 30614526). The frequency data for this variant in the population databases is considered unreliable, as metrics indicate poor data quality at this position in the gnomAD database. This premature translational stop signal has been observed in individual(s) with clinical features of MKKS-related conditions (PMID: 31054281). ClinVar contains an entry for this variant (Variation ID: 2928460). For these reasons, this variant has been classified as Pathogenic.

Baylor Genetics
Classification: Likely pathogenic for Bardet-Biedl syndrome 6. Last evaluated: 2023-11-18. Review status: criteria provided, single submitter. Criteria: ACMG Guidelines, 2015. Collection method: clinical testing. Allele origin: unknown.

Literature cited by the submitters: PubMed 11179009 (cited by Labcorp Genetics (formerly Invitae), Labcorp); PubMed 28761321 (cited by Labcorp Genetics (formerly Invitae), Labcorp); PubMed 30614526 (cited by Labcorp Genetics (formerly Invitae), Labcorp); PubMed 31054281 (cited by Labcorp Genetics (formerly Invitae), Labcorp).

NM_170784.3(MKKS):c.257C>A (p.Ser86Ter)

Gene: MKKS (MKKS centrosomal shuttling protein; minus strand). Cytogenetic location: 20p12.2.
Variant type: single nucleotide variant.
Coding change: c.257C>A on transcript NM_170784.3 (MANE Select); coding-DNA position 257, C replaced by A.
Protein change: p.Ser86Ter; replaces serine 86 with a stop codon.
Molecular consequence: nonsense.
Genome position (GRCh38, 1-based): chr20:10,413,258, G>T on the plus strand (C>A on the coding strand, the complement: MKKS is on the minus strand). VCF-style: chr20-10413258-G-T. GRCh37 (hg19) VCF-style: chr20-10393906-G-T.
Other names: c.257C>A, p.Ser86Ter (NM_018848.3); short protein forms S86*.
Identifiers: ClinVar variation 2928460 (VCV002928460.4), dbSNP rs762258242, ClinGen allele CA9763716.